The following is an entry in ClinVar:

NM_080860.4(RSPH1):c.1A>C (p.Met1Leu)

Genes: RSPH1 (radial spoke head component 1; minus strand), LOC130066749 (ATAC-STARR-seq lymphoblastoid silent region 13344; plus strand). Cytogenetic location: 21q22.3.
Variant type: single nucleotide variant.
Coding change: c.1A>C on transcript NM_080860.4 (MANE Select); coding-DNA position 1, A replaced by C.
Protein change: p.Met1Leu; changes the start codon (methionine 1).
Molecular consequence: missense variant, initiator codon variant.
Genome position (GRCh38, 1-based): chr21:42,496,186, T>G on the plus strand (A>C on the coding strand, the complement: RSPH1 is on the minus strand). VCF-style: chr21-42496186-T-G. GRCh37 (hg19) VCF-style: chr21-43916296-T-G.
Other names: c.1A>C, p.Met1Leu (NM_001286506.2); short protein forms M1L.
Identifiers: ClinVar variation 1453874 (VCV001453874.7), dbSNP rs566463967, ClinGen allele CA10044115.
Genomic context (GRCh38, chr21:42,496,186, plus strand): 5'-CTCTCACCCCAATATCATTCTCTCCCTCCTCCTCCAACTCCTCCGAGCCCAGGTCCGACA[T>G]GGTCTCGCCCCAGCCTGGATCACAGCCGCAGCGCCTCTAGCAGGTGGGTAGCAACCGCCT-3'
Protein context (NP_543136.1, residues 1-11): [Met1Leu]SDLGSEELEE

ClinVar aggregate classification (germline): Pathogenic (1 of 4 stars; one submission).

Conditions:
Primary ciliary dyskinesia. Also called: Ciliary dyskinesia. Identifiers: Orphanet 244, MedGen C0008780, MONDO:0016575, HP:0012265.

Submission:

Labcorp Genetics (formerly Invitae), Labcorp
Classification: Pathogenic for Primary ciliary dyskinesia. Last evaluated: 2025-10-22. Review status: criteria provided, single submitter. Criteria: Invitae Variant Classification Sherloc (09022015). Collection method: clinical testing. Allele origin: germline.
Comment: This sequence change affects the initiator codon of the RSPH1 mRNA. This change may impact translation initiation or efficiency. The next in-frame methionine is located at codon 191. This variant is present in population databases (rs566463967, gnomAD 0.0009%). This variant has not been reported in the literature in individuals affected with RSPH1-related conditions. ClinVar contains an entry for this variant (Variation ID: 1453874). This variant disrupts a region of the RSPH1 protein in which other variant(s) (p.Gly103Asp) have been determined to be pathogenic (PMID: 23993197, 31772028). This suggests that this is a clinically significant region of the protein, and that variants that disrupt it are likely to be disease-causing. For these reasons, this variant has been classified as Pathogenic.

Literature cited by the submitters: PubMed 23993197; PubMed 31772028.